The following is an entry in ClinVar:

ClinVar aggregate classification (germline): Uncertain significance (1 of 4 stars; one submission).

Submission:

GeneDx
Classification: Uncertain significance. Last evaluated: 2026-02-04. Review status: criteria provided, single submitter. Criteria: GeneDx Variant Classification Process June 2021. Collection method: clinical testing. Allele origin: germline.
Comment: Not observed at significant frequency in large population cohorts (gnomAD); In silico analysis supports that this missense variant has a deleterious effect on protein structure/function; Has not been previously published as pathogenic or benign to our knowledge

NM_005826.5(HNRNPR):c.898A>G (p.Lys300Glu)

Gene: HNRNPR (heterogeneous nuclear ribonucleoprotein R; minus strand). Cytogenetic location: 1p36.12.
Variant type: single nucleotide variant.
Coding change: c.898A>G on transcript NM_005826.5 (MANE Select); coding-DNA position 898, A replaced by G.
Protein change: p.Lys300Glu; replaces lysine 300 with glutamic acid.
Molecular consequence: missense variant.
Genome position (GRCh38, 1-based): chr1:23,318,602, T>C on the plus strand (A>G on the coding strand, the complement: HNRNPR is on the minus strand). VCF-style: chr1-23318602-T-C. GRCh37 (hg19) VCF-style: chr1-23645095-T-C.
Other names: c.595A>G, p.Lys199Glu (NM_001102397.3); c.907A>G, p.Lys303Glu (NM_001102398.3); c.604A>G, p.Lys202Glu (NM_001102399.3); c.784A>G, p.Lys262Glu (NM_001297620.2); c.418A>G, p.Lys140Glu (NM_001297621.2); c.481A>G, p.Lys161Glu (NM_001297622.2); short protein forms K140E, K161E, K199E, K202E, K262E, K300E, K303E.
Identifiers: ClinVar variation 3770126 (VCV003770126.2).